The following is an entry in ClinVar:

ClinVar aggregate classification (germline): Uncertain significance (1 of 4 stars; one submission).

gnomAD v4.1: 1 of 1,502,882 alleles (0.000067%); highest among the groups gnomAD compares: Non-Finnish European, 0.000088%; no homozygotes.

Submission:

Ambry Genetics
Classification: Uncertain significance. Last evaluated: 2022-08-29. Review status: criteria provided, single submitter. Criteria: Ambry Variant Classification Scheme 2023. Collection method: clinical testing. Allele origin: germline.
Comment: The p.S4Y variant (also known as c.11C>A), located in coding exon 1 of the PRKDC gene, results from a C to A substitution at nucleotide position 11. The serine at codon 4 is replaced by tyrosine, an amino acid with dissimilar properties. This amino acid position is conserved. In addition, this alteration is predicted to be tolerated by in silico analysis. Since supporting evidence is limited at this time, the clinical significance of this alteration remains unclear.

NM_006904.7(PRKDC):c.11C>A (p.Ser4Tyr)

Genes: PRKDC (protein kinase, DNA-activated, catalytic subunit; minus strand), LOC129929030 (ATAC-STARR-seq lymphoblastoid silent region 19177; plus strand). Cytogenetic location: 8q11.21.
Variant type: single nucleotide variant.
Coding change: c.11C>A on transcript NM_006904.7 (MANE Select); coding-DNA position 11, C replaced by A.
Protein change: p.Ser4Tyr; replaces serine 4 with tyrosine.
Molecular consequence: missense variant.
Genome position (GRCh38, 1-based): chr8:47,960,116, G>T on the plus strand (C>A on the coding strand, the complement: PRKDC is on the minus strand). VCF-style: chr8-47960116-G-T. GRCh37 (hg19) VCF-style: chr8-48872676-G-T.
Other names: c.11C>A, p.Ser4Tyr (NM_001081640.2); short protein forms S4Y.
Identifiers: ClinVar variation 1747017 (VCV001747017.2), dbSNP rs1406641105, ClinGen allele CA371143137.